The following is an entry in ClinVar:

NM_001257096.2(PAX1):c.873_874delinsTT (p.Val292Phe)

Gene: PAX1 (paired box 1; plus strand). Cytogenetic location: 20p11.22.
Variant type: Indel.
Coding change: c.873_874delinsTT on transcript NM_001257096.2 (MANE Select); coding-DNA positions 873 to 874, GG replaced by TT.
Protein change: p.Val292Phe; replaces valine 292 with phenylalanine.
Molecular consequence: missense variant.
Genome position (GRCh38, 1-based): chr20:21,707,024-21,707,025, GG replaced by TT. VCF-style: chr20-21707024-GG-TT. GRCh37 (hg19) VCF-style: chr20-21687662-GG-TT.
Other names: c.873_874delinsTT, p.Val292Phe (NM_006192.5); short protein forms V292F.
Identifiers: ClinVar variation 1467787 (VCV001467787.4), dbSNP rs2122134727, ClinGen allele CA2573156941.

ClinVar aggregate classification (germline): Uncertain significance (1 of 4 stars; one submission).

Submission:

Labcorp Genetics (formerly Invitae), Labcorp
Classification: Uncertain significance. Last evaluated: 2023-12-22. Review status: criteria provided, single submitter. Criteria: Invitae Variant Classification Sherloc (09022015). Collection method: clinical testing. Allele origin: germline.
Comment: This sequence change replaces valine, which is neutral and non-polar, with phenylalanine, which is neutral and non-polar, at codon 292 of the PAX1 protein (p.Val292Phe). Information on the frequency of this variant in the gnomAD database is not available, as this variant may be reported differently in the database. This variant has not been reported in the literature in individuals affected with PAX1-related conditions. ClinVar contains an entry for this variant (Variation ID: 1467787). Experimental studies and prediction algorithms are not available or were not evaluated, and the functional significance of this variant is currently unknown. In summary, the available evidence is currently insufficient to determine the role of this variant in disease. Therefore, it has been classified as a Variant of Uncertain Significance.